The following is an entry in ClinVar:

ClinVar aggregate classification (germline): Conflicting classifications of pathogenicity. Review status: criteria provided, conflicting classifications (1 of 4 stars). 4 submissions from 4 submitters: Uncertain significance (2); Likely benign (1). 1 of the submissions does not count toward it. Last evaluated 2025-01-02.

Conditions:
Hereditary cancer-predisposing syndrome. Also called: Neoplastic Syndromes, Hereditary; Tumor predisposition; Hereditary neoplastic syndrome; Hereditary Cancer Syndrome. Identifiers: Orphanet 140162, MedGen C0027672, MeSH D009386, MONDO:0015356.
Hereditary breast ovarian cancer syndrome. Also called: Hereditary breast and ovarian cancer syndrome; Hereditary breast and ovarian cancer; Hereditary breast and ovarian cancer syndrome (HBOC); Breast and ovarian cancer; Hereditary breast and/or ovarian cancer syndrome; BRCA1- and BRCA2-Associated Hereditary Breast and Ovarian Cancer. Identifiers: Orphanet 145, MedGen C0677776, MeSH D061325, MONDO:0003582. Disease mechanism: loss of function.
Malignant tumor of breast. Also called: Malignant breast neoplasm; Cancer breast. Identifiers: MedGen C0006142, MONDO:0007254. Disease mechanism: loss of function.

Submissions (4):

Ambry Genetics
Classification: Likely benign for Hereditary cancer-predisposing syndrome. Last evaluated: 2025-01-02. Review status: criteria provided, single submitter. Criteria: Ambry Variant Classification Scheme 2023. Collection method: clinical testing. Allele origin: germline.

Labcorp Genetics (formerly Invitae), Labcorp
Classification: Uncertain significance for Hereditary breast ovarian cancer syndrome. Last evaluated: 2022-09-26. Review status: criteria provided, single submitter. Criteria: Invitae Variant Classification Sherloc (09022015). Collection method: clinical testing. Allele origin: germline.
Comment: This sequence change replaces threonine, which is neutral and polar, with alanine, which is neutral and non-polar, at codon 122 of the BRCA2 protein (p.Thr122Ala). This variant is not present in population databases (gnomAD no frequency). This variant has not been reported in the literature in individuals affected with BRCA2-related conditions. ClinVar contains an entry for this variant (Variation ID: 629939). Advanced modeling of protein sequence and biophysical properties (such as structural, functional, and spatial information, amino acid conservation, physicochemical variation, residue mobility, and thermodynamic stability) performed at Invitae indicates that this missense variant is not expected to disrupt BRCA2 protein function. In summary, the available evidence is currently insufficient to determine the role of this variant in disease. Therefore, it has been classified as a Variant of Uncertain Significance.

Color Diagnostics, LLC DBA Color Health
Classification: Uncertain significance for Hereditary cancer-predisposing syndrome. Last evaluated: 2019-04-22. Review status: criteria provided, single submitter. Criteria: ACMG Guidelines, 2015. Collection method: clinical testing. Allele origin: germline.

Department of Pathology and Laboratory Medicine, Sinai Health System
Classification: Uncertain significance for Malignant tumor of breast. Review status: no assertion criteria provided. Collection method: clinical testing. Allele origin: unknown. Affected: yes. Study: The Canadian Open Genetics Repository (COGR). Not counted in ClinVar's aggregate classification.
Comment: The BRCA2 p.Thr122Ala variant was not identified in the literature nor was it identified in the dbSNP, ClinVar, LOVD 3.0, or UMD-LSDB, databases. The variant was not identified in the following control databases: the Exome Aggregation Consortium (August 8th 2016), or the Genome Aggregation Database (Feb 27, 2017). The p.Thr122 residue is not conserved in mammals and computational analyses (PolyPhen-2, SIFT, AlignGVGD, BLOSUM, MutationTaster) do not suggest a high likelihood of impact to the protein; however, this information is not predictive enough to rule out pathogenicity. The variant occurs outside of the splicing consensus sequence and in silico or computational prediction software programs (SpliceSiteFinder, MaxEntScan, NNSPLICE, GeneSplicer) do not predict a difference in splicing. In summary, based on the above information the clinical significance of this variant cannot be determined with certainty at this time. This variant is classified as a variant of uncertain significance.

NM_000059.4(BRCA2):c.364A>G (p.Thr122Ala)

Gene: BRCA2 (BRCA2 DNA repair associated; plus strand). Cytogenetic location: 13q13.1.
Variant type: single nucleotide variant.
Coding change: c.364A>G on transcript NM_000059.4 (MANE Select); coding-DNA position 364, A replaced by G.
Protein change: p.Thr122Ala; replaces threonine 122 with alanine.
Molecular consequence: missense variant.
Genome position (GRCh38, 1-based): chr13:32,325,123, A>G. VCF-style: chr13-32325123-A-G. GRCh37 (hg19) VCF-style: chr13-32899260-A-G.
Other names: short protein forms T122A.
Identifiers: ClinVar variation 629939 (VCV000629939.11), dbSNP rs1218108009, ClinGen allele CA387756617.
Genomic context (GRCh38, chr13:32,325,123, plus strand): 5'-TGTACTGTTTCAGGAAGGAATGTTCCCAATAGTAGACATAAAAGTCTTCGCACAGTGAAA[A>G]CTAAAATGGATCAAGCAGATGATGTTTCCTGTCCACTTCTAAATTCTTGTCTTAGTGAAA-3'
Protein context (NP_000050.3, residues 112-132): SRHKSLRTVK[Thr122Ala]KMDQADDVSC